The following is an entry in ClinVar:

NM_015338.6(ASXL1):c.968G>A (p.Arg323His)

Gene: ASXL1 (ASXL transcriptional regulator 1; plus strand). Cytogenetic location: 20q11.21.
Variant type: single nucleotide variant.
Coding change: c.968G>A on transcript NM_015338.6 (MANE Select); coding-DNA position 968, G replaced by A.
Protein change: p.Arg323His; replaces arginine 323 with histidine.
Molecular consequence: missense variant.
Genome position (GRCh38, 1-based): chr20:32,431,668, G>A. VCF-style: chr20-32431668-G-A. GRCh37 (hg19) VCF-style: chr20-31019471-G-A.
Other names: c.785G>A, p.Arg262His (NM_001363734.1); short protein forms R323H, R262H.
Identifiers: ClinVar variation 2714606 (VCV002714606.4), dbSNP rs2123239528, ClinGen allele CA408554757.

ClinVar aggregate classification (germline): Uncertain significance. Review status: criteria provided, multiple submitters, no conflicts (2 of 4 stars). 2 submissions from 2 submitters: Uncertain significance (2). Last evaluated 2025-10-09.

Conditions:
Inborn genetic diseases. Identifiers: MedGen C0950123, MeSH D030342.

Allele frequency attached by ClinVar (database versions not stated): gnomAD exomes below 0.00001.
gnomAD v4.1: 1 of 1,612,896 alleles (0.000062%); highest among the groups gnomAD compares: Non-Finnish European, 0.000085%; no homozygotes.

Submissions (2):

Ambry Genetics
Classification: Uncertain significance for Inborn genetic diseases. Last evaluated: 2025-10-09. Review status: criteria provided, single submitter. Criteria: Ambry Variant Classification Scheme 2023. Collection method: clinical testing. Allele origin: germline.
Comment: The p.R323H variant (also known as c.968G>A), located in coding exon 10 of the ASXL1 gene, results from a G to A substitution at nucleotide position 968. The arginine at codon 323 is replaced by histidine, an amino acid with highly similar properties. This amino acid position is conserved. In addition, this alteration is predicted to be deleterious by in silico analysis. Based on the available evidence, the clinical significance of this variant remains unclear.

Labcorp Genetics (formerly Invitae), Labcorp
Classification: Uncertain significance. Last evaluated: 2024-01-31. Review status: criteria provided, single submitter. Criteria: Invitae Variant Classification Sherloc (09022015). Collection method: clinical testing. Allele origin: germline.
Comment: This sequence change replaces arginine, which is basic and polar, with histidine, which is basic and polar, at codon 323 of the ASXL1 protein (p.Arg323His). This variant is not present in population databases (gnomAD no frequency). This variant has not been reported in the literature in individuals affected with ASXL1-related conditions. An algorithm developed to predict the effect of missense changes on protein structure and function (PolyPhen-2) suggests that this variant is likely to be disruptive. In summary, the available evidence is currently insufficient to determine the role of this variant in disease. Therefore, it has been classified as a Variant of Uncertain Significance.